The following is an entry in ClinVar:

NM_001282874.2(SMARCA1):c.1486G>A (p.Ala496Thr)

Gene: SMARCA1 (SNF2 related chromatin remodeling ATPase 1; minus strand). Cytogenetic location: Xq25.
Variant type: single nucleotide variant.
Coding change: c.1486G>A on transcript NM_001282874.2 (MANE Select); coding-DNA position 1486, G replaced by A.
Protein change: p.Ala496Thr; replaces alanine 496 with threonine.
Molecular consequence: missense variant.
Genome position (GRCh38, 1-based): chrX:129,497,863, C>T on the plus strand (G>A on the coding strand, the complement: SMARCA1 is on the minus strand). VCF-style: chrX-129497863-C-T. GRCh37 (hg19) VCF-style: chrX-128631840-C-T.
Other names: c.1486G>A, p.Ala496Thr (NM_001282875.2, NM_001378261.1, NM_001378262.1 and 3 more transcripts); short protein forms A496T.
Identifiers: ClinVar variation 5017688 (VCV005017688.1).

ClinVar aggregate classification (germline): Uncertain significance (1 of 4 stars; one submission).

gnomAD v4.1: 1 of 1,198,626 alleles (0.000083%); highest among the groups gnomAD compares: Non-Finnish European, 0.00011%; no homozygotes.

Submission:

GeneDx
Classification: Uncertain significance. Last evaluated: 2026-03-26. Review status: criteria provided, single submitter. Criteria: GeneDx Variant Classification Process June 2021. Collection method: clinical testing. Allele origin: germline.
Comment: Not observed at significant frequency in large population cohorts (gnomAD); In silico analysis suggests that this missense variant does not alter protein structure/function; Has not been previously published as pathogenic or benign to our knowledge